The following is an entry in ClinVar:

NM_001377265.1(MAPT):c.697C>G (p.Leu233Val)

Gene: MAPT (microtubule associated protein tau). Cytogenetic location: 17q21.31.
Variant type: single nucleotide variant.
Coding change: c.697C>G on transcript NM_001377265.1 (MANE Select); coding-DNA position 697, C replaced by G.
Protein change: p.Leu233Val; replaces leucine 233 with valine.
Molecular consequence: missense variant. On other transcripts: intron variant (8).
Genome position (GRCh38, 1-based): chr17:45,983,276, C>G. VCF-style: chr17-45983276-C-G. GRCh37 (hg19) VCF-style: chr17-44060642-C-G.
Other names: c.472C>G, p.Leu158Val (NM_001123066.4, NM_016835.5); c.697C>G, p.Leu233Val (NM_001377266.1); c.200-3764C>G (NM_001377268.1, NM_016834.5, NM_016841.5); c.374-3764C>G (NM_005910.6, NM_001203252.2); c.287-3764C>G (NM_001123067.4, NM_001203251.2, NM_001377267.1); short protein forms L158V, L233V.
Identifiers: ClinVar variation 4849947 (VCV004849947.1).

ClinVar aggregate classification (germline): Uncertain significance (0 of 4 stars; one submission).

Conditions:
Frontotemporal dementia (FTD1). Also called: Frontotemporal Dementia with Parkinsonism-17 (FTDP-17); Frontotemporal lobe dementia (FLDEM); FRONTOTEMPORAL LOBAR DEGENERATION WITH TAU INCLUSIONS; FTLD WITH TAU INCLUSIONS; FRONTOTEMPORAL DEMENTIA WITH PARKINSONISM; FRONTOTEMPORAL LOBE DEMENTIA. Identifiers: Orphanet 282, MedGen C0338451, MONDO:0017276, OMIM 600274, HP:0002145.

gnomAD v4.1: 1 of 1,598,892 alleles (0.000063%); highest among the groups gnomAD compares: South Asian, 0.0011%; no homozygotes.

Submission:

Medical Genetics Unit, Mauro Baschirotto Institute for Rare Disease
Classification: Uncertain significance for Frontotemporal dementia. Last evaluated: 2026-04-20. Review status: no assertion criteria provided. Collection method: clinical testing. Allele origin: germline. Affected: yes. Observed: 1 variant allele.
Comment: This variant was interpreted by the AD-FTD Italian Consortium, including the following participating institutions: Mauro Baschirotto Institute for Rare Disease, Medical Genetics Unit (Dr Paola de Gemmis, Dr Daniela Segat, Dr Chiara Stefani); Neurology Unit, Department of Biomedicine, Neurosciences and Advanced Diagnostics, University of Palermo, Italy (Dr Tommaso Piccoli); Neurology Unit, Santa Maria della Misericordia Hospital, Perugia, Italy (Dr Lorenzo Gaetani). The participating laboratories jointly contributed to patient recruitment, clinical data collection, and variant interpretation and classification.The variant c.697C>G;p.Leu233Val in MAPT results in the substitution of a conserved leucine residue with valine at codon 233 of the encoded protein. This is a non-synonymous (missense) change that alters the amino acid sequence of the microtubule-associated protein tau. MAPT encodes the microtubule-associated protein tau, a neuronal protein predominantly expressed in the central nervous system. Tau binds to and stabilizes microtubules, contributing to the assembly and maintenance of axonal microtubule networks and thereby supporting axonal transport and neuronal integrity. The gene undergoes complex alternative splicing, generating multiple tau isoforms that differ in their microtubule-binding properties and regional expression in the brain. Abnormal tau biology, including altered splicing, post-translational modification, misfolding, and aggregation, is a central feature of several neurodegenerative disorders collectively known as tauopathies, which encompass a spectrum of clinical phenotypes such as frontotemporal dementia and parkinsonian syndromes. Pathogenic variants in MAPT have been associated with autosomal dominant neurodegenerative conditions characterized by progressive cognitive, behavioral, and motor impairment, often with variable age at onset and neuropathological findings dominated by tau-positive inclusions. The c.697C>G p.Leu233Val is a missense change located in exon 5 of the gene and has been observed in the general population with a gnomAD frequency of 0.000069%, with no homozygous individuals reported. Computational prediction scores include: SIFT prediction (uncertain, score 0.006), FATHMM prediction (uncertain, score 2.9) and REVEL (benign strong, score 0.01). Taken together all of these data suggest an uncertain significance classification for this variant.